The following is an entry in ClinVar:

ClinVar aggregate classification (germline): Conflicting classifications of pathogenicity. Review status: criteria provided, conflicting classifications (1 of 4 stars). 2 submissions from 2 submitters: Uncertain significance (1); Likely benign (1). Last evaluated 2024-12-07.

Conditions:
Inborn genetic diseases. Identifiers: MedGen C0950123, MeSH D030342.

Allele frequency attached by ClinVar (database versions not stated): gnomAD exomes 0.00002; gnomAD 0.00003; ExAC 0.00005; ESP Exome Variant Server 0.00008.
gnomAD v4.1: 40 of 1,614,086 alleles (0.0025%); highest among the groups gnomAD compares: Non-Finnish European, 0.0031%; no homozygotes.

Submissions (2):

Labcorp Genetics (formerly Invitae), Labcorp
Classification: Uncertain significance. Last evaluated: 2024-12-07. Review status: criteria provided, single submitter. Criteria: Invitae Variant Classification Sherloc (09022015). Collection method: clinical testing. Allele origin: germline.
Comment: This sequence change replaces arginine, which is basic and polar, with cysteine, which is neutral and slightly polar, at codon 881 of the TRRAP protein (p.Arg881Cys). This variant is present in population databases (rs375735930, gnomAD 0.01%). This variant has not been reported in the literature in individuals affected with TRRAP-related conditions. ClinVar contains an entry for this variant (Variation ID: 2470056). Invitae Evidence Modeling of protein sequence and biophysical properties (such as structural, functional, and spatial information, amino acid conservation, physicochemical variation, residue mobility, and thermodynamic stability) indicates that this missense variant is expected to disrupt TRRAP protein function with a positive predictive value of 80%. In summary, the available evidence is currently insufficient to determine the role of this variant in disease. Therefore, it has been classified as a Variant of Uncertain Significance.

Ambry Genetics
Classification: Likely benign for Inborn genetic diseases. Last evaluated: 2023-02-16. Review status: criteria provided, single submitter. Criteria: Ambry Variant Classification Scheme 2023. Collection method: clinical testing. Allele origin: germline.

NM_001375524.1(TRRAP):c.2641C>T (p.Arg881Cys)

Gene: TRRAP (transformation/transcription domain associated protein; plus strand). Cytogenetic location: 7q22.1.
Variant type: single nucleotide variant.
Coding change: c.2641C>T on transcript NM_001375524.1 (MANE Select); coding-DNA position 2641, C replaced by T.
Protein change: p.Arg881Cys; replaces arginine 881 with cysteine.
Molecular consequence: missense variant.
Genome position (GRCh38, 1-based): chr7:98,921,771, C>T. VCF-style: chr7-98921771-C-T. GRCh37 (hg19) VCF-style: chr7-98519394-C-T.
Other names: c.2641C>T, p.Arg881Cys (NM_001244580.2, NM_003496.4); short protein forms R881C.
Identifiers: ClinVar variation 2470056 (VCV002470056.4), dbSNP rs375735930, ClinGen allele CA4359811.